The following is an entry in ClinVar:

NM_000051.4(ATM):c.7686C>T (p.Ala2562=)

Genes: ATM (ATM serine/threonine kinase; plus strand), C11orf65 (chromosome 11 open reading frame 65; minus strand). Cytogenetic location: 11q22.3.
Variant type: single nucleotide variant.
Coding change: c.7686C>T on transcript NM_000051.4 (MANE Select); coding-DNA position 7686, C replaced by T.
Protein change: p.Ala2562=; no amino-acid change (alanine 2562 retained).
Molecular consequence: synonymous variant. On other transcripts: intron variant (2).
Genome position (GRCh38, 1-based): chr11:108,331,935, C>T. VCF-style: chr11-108331935-C-T. GRCh37 (hg19) VCF-style: chr11-108202662-C-T.
Other names: c.7686C>T, p.Ala2562= (NM_001351834.2); c.641-22864G>A (NM_001330368.2); c.*38+3285G>A (NM_001351110.2).
Identifiers: ClinVar variation 510711 (VCV000510711.4), dbSNP rs1555124531, ClinGen allele CA476677201.

ClinVar aggregate classification (germline): Benign/Likely benign. Review status: criteria provided, multiple submitters, no conflicts (2 of 4 stars). 2 submissions from 2 submitters: Benign (1); Likely benign (1). Last evaluated 2024-06-17.

Conditions:
Familial cancer of breast. Also called: BREAST CANCER, FAMILIAL; Hereditary breast cancer; hereditary breast carcinoma. Identifiers: Orphanet 227535, MedGen C0346153, MONDO:0016419, OMIM 114480. Disease mechanism: loss of function.

Submissions (2):

Myriad Genetics, Inc.
Classification: Benign for Familial cancer of breast. Last evaluated: 2024-06-17. Review status: criteria provided, single submitter. Criteria: Myriad Autosomal Dominant, Autosomal Recessive and X-Linked Classification Criteria (2023). Collection method: clinical testing. Allele origin: unknown.
Comment: This variant is considered benign. This variant is a silent/synonymous amino acid change and it is not expected to impact splicing.

GeneDx
Classification: Likely benign. Last evaluated: 2017-07-05. Review status: criteria provided, single submitter. Criteria: GeneDx Variant Classification (06012015). Collection method: clinical testing. Allele origin: germline. Affected: yes.
Comment: This variant is considered likely benign or benign based on one or more of the following criteria: it is a conservative change, it occurs at a poorly conserved position in the protein, it is predicted to be benign by multiple in silico algorithms, and/or has population frequency not consistent with disease.